The following is an entry in ClinVar:

NM_016203.4(PRKAG2):c.497C>T (p.Pro166Leu)

Gene: PRKAG2 (protein kinase AMP-activated non-catalytic subunit gamma 2; minus strand). Cytogenetic location: 7q36.1.
Variant type: single nucleotide variant.
Coding change: c.497C>T on transcript NM_016203.4 (MANE Select); coding-DNA position 497, C replaced by T.
Protein change: p.Pro166Leu; replaces proline 166 with leucine.
Molecular consequence: missense variant. On other transcripts: intron variant (5).
Genome position (GRCh38, 1-based): chr7:151,675,607, G>A on the plus strand (C>T on the coding strand, the complement: PRKAG2 is on the minus strand). VCF-style: chr7-151675607-G-A. GRCh37 (hg19) VCF-style: chr7-151372693-G-A.
Other names: c.365C>T, p.Pro122Leu (NM_001040633.2, NM_001407024.1, NM_001407026.1 and 1 more transcripts); c.125C>T, p.Pro42Leu (NM_001304527.2, NM_001363698.2, NM_001407028.1 and 1 more transcripts); c.497C>T, p.Pro166Leu (NM_001407021.1, NM_001407022.1, NM_001407023.1); c.179C>T, p.Pro60Leu (NM_001407032.1); c.467-80156C>T (NM_001407031.1); c.467-80153C>T (NM_001407030.1); c.361-43469C>T (NM_001407033.1); c.94+60293C>T (NM_001407037.1); and 1 more; short protein forms P122L, P166L, P42L, P60L.
Identifiers: ClinVar variation 4802510 (VCV004802510.1).
Genomic context (GRCh38, chr7:151,675,607, plus strand): 5'-CGTTCAGGCTCGTGCTTATAGGATTCCAGGGGAAACGTGTGCTGCTTGGTCACTTGGGTG[G>A]GTGTTGACGGAGAGGAGGAGAGGCCGGAGGCTGCAGAAGAAACACCAAGGACGGTCAGAG-3'
Protein context (NP_057287.2, residues 156-176): TSGLSSSPST[Pro166Leu]TQVTKQHTFP

ClinVar aggregate classification (germline): Uncertain significance (1 of 4 stars; one submission).

Conditions:
Lethal congenital glycogen storage disease of heart. Also called: GLYCOGEN STORAGE DISEASE OF HEART; PHOSPHORYLASE KINASE DEFICIENCY OF HEART. Identifiers: Orphanet 439854, MedGen C1849813, MONDO:0009867, OMIM 261740.

Submission:

Labcorp Genetics (formerly Invitae), Labcorp
Classification: Uncertain significance for Lethal congenital glycogen storage disease of heart. Last evaluated: 2025-10-27. Review status: criteria provided, single submitter. Criteria: Invitae Variant Classification Sherloc (09022015). Collection method: clinical testing. Allele origin: germline.
Comment: This sequence change replaces proline, which is neutral and non-polar, with leucine, which is neutral and non-polar, at codon 166 of the PRKAG2 protein (p.Pro166Leu). This variant is not present in population databases (gnomAD no frequency). This variant has not been reported in the literature in individuals affected with PRKAG2-related conditions. Invitae Evidence Modeling of protein sequence and biophysical properties (such as structural, functional, and spatial information, amino acid conservation, physicochemical variation, residue mobility, and thermodynamic stability) indicates that this missense variant is not expected to disrupt PRKAG2 protein function with a negative predictive value of 95%. In summary, the available evidence is currently insufficient to determine the role of this variant in disease. Therefore, it has been classified as a Variant of Uncertain Significance.